The following is an entry in ClinVar:

ClinVar aggregate classification (germline): Conflicting classifications of pathogenicity. Review status: criteria provided, conflicting classifications (1 of 4 stars). 3 submissions from 3 submitters: Uncertain significance (2); Likely benign (1). Last evaluated 2026-05-31.

Conditions:
PKD1-related disorder. Also called: PKD1-related condition.
Polycystic kidney disease, adult type (PKD1). Also called: POLYCYSTIC KIDNEY DISEASE, ADULT, TYPE I; Polycystic Kidney Disease 1, Autosomal Dominant; Polycystic kidney disease 1; Polycystic kidney disease 1, severe; Polycystic Kidney, Autosomal Dominant; POLYCYSTIC KIDNEY DISEASE 1 WITH OR WITHOUT POLYCYSTIC LIVER DISEASE. Identifiers: MedGen C3149841, MONDO:0008263, OMIM 173900.

Allele frequency attached by ClinVar (database versions not stated): TOPMed 0.00004.
gnomAD v4.1: 76 of 1,412,024 alleles (0.0054%); highest among the groups gnomAD compares: Middle Eastern, 0.024%; no homozygotes.

Submissions (3):

PreventionGenetics, part of Exact Sciences
Classification: Uncertain significance for PKD1-related condition. Last evaluated: 2026-05-31. Review status: criteria provided, single submitter. Criteria: ACMG Guidelines, 2015. Collection method: clinical testing. Allele origin: germline.
Comment: The PKD1 c.250G>A variant is predicted to result in the amino acid substitution p.Val84Ile. To our knowledge, this variant has not been reported in the literature. This variant is reported in 0.0045% of alleles in individuals of South Asian descent in gnomAD. At this time, the clinical significance of this variant is uncertain due to the absence of conclusive functional and genetic evidence.

Fulgent Genetics
Classification: Likely benign for Polycystic kidney disease, adult type. Last evaluated: 2024-03-20. Review status: criteria provided, single submitter. Criteria: ACMG Guidelines, 2015. Collection method: clinical testing. Allele origin: germline.

CeGaT Center for Human Genetics Tuebingen
Classification: Uncertain significance. Last evaluated: 2023-07-01. Review status: criteria provided, single submitter. Criteria: CeGaT Center For Human Genetics Tuebingen Variant Classification Criteria Version 2. Collection method: clinical testing. Allele origin: germline. Affected: yes. Observed: 1 variant allele.
Comment: PKD1: PM2, BP4

NM_001009944.3(PKD1):c.250G>A (p.Val84Ile)

Gene: PKD1 (polycystin 1, transient receptor potential channel interacting; minus strand). Cytogenetic location: 16p13.3.
Variant type: single nucleotide variant.
Coding change: c.250G>A on transcript NM_001009944.3 (MANE Select); coding-DNA position 250, G replaced by A.
Protein change: p.Val84Ile; replaces valine 84 with isoleucine.
Molecular consequence: missense variant.
Genome position (GRCh38, 1-based): chr16:2,119,344, C>T on the plus strand (G>A on the coding strand, the complement: PKD1 is on the minus strand). VCF-style: chr16-2119344-C-T. GRCh37 (hg19) VCF-style: chr16-2169345-C-T.
Other names: c.250G>A, p.Val84Ile (NM_000296.4); short protein forms V84I.
Identifiers: ClinVar variation 2646035 (VCV002646035.26), dbSNP rs914018183, ClinGen allele CA276784276.
Genomic context (GRCh38, chr16:2,119,344, plus strand): 5'-TGGCACGACTGGGGGACACTCACAGCTCTGCCAGCGCCGAGAGGTTCGCCAGGAGCCCAA[C>T]GTCCAGCGCCCGGAGCAGGTTGTGGGAGACGTCTCTGAGGAGTGAGTGGCCGTGGGTCAG-3'
Protein context (NP_001009944.3, residues 74-94): VSHNLLRALD[Val84Ile]GLLANLSALA